The following is an entry in ClinVar:

ClinVar aggregate classification (germline): Uncertain significance. Review status: criteria provided, multiple submitters, no conflicts (2 of 4 stars). 2 submissions from 2 submitters: Uncertain significance (2). Last evaluated 2024-04-09.

Allele frequency attached by ClinVar (database versions not stated): gnomAD exomes below 0.00001.
gnomAD v4.1: 5 of 1,593,516 alleles (0.00031%); highest among the groups gnomAD compares: South Asian, 0.0044%; no homozygotes.

Submissions (2):

Women's Health and Genetics/Laboratory Corporation of America, LabCorp
Classification: Uncertain significance. Last evaluated: 2024-04-09. Review status: criteria provided, single submitter. Criteria: LabCorp Variant Classification Summary - May 2015. Collection method: clinical testing. Allele origin: germline.
Comment: Variant summary: HS6ST1 c.131C>T (p.Ala44Val) results in a non-conservative amino acid change in the encoded protein sequence. Three of five in-silico tools predict a benign effect of the variant on protein function. The variant was absent in 201014 control chromosomes. The available data on variant occurrences in the general population are insufficient to allow any conclusion about variant significance. To our knowledge, no occurrence of c.131C>T in individuals affected with Hypogonadotropic Hypogonadism 15 With Or Without Anosmia and no experimental evidence demonstrating its impact on protein function have been reported. ClinVar contains an entry for this variant (Variation ID: 2689224). Based on the evidence outlined above, the variant was classified as uncertain significance.

Revvity Omics, Revvity
Classification: Uncertain significance. Last evaluated: 2021-05-11. Review status: criteria provided, single submitter. Criteria: ACMG Guidelines, 2015. Collection method: clinical testing. Allele origin: germline.

NM_004807.3(HS6ST1):c.131C>T (p.Ala44Val)

Gene: HS6ST1 (heparan sulfate 6-O-sulfotransferase 1; minus strand). Cytogenetic location: 2q14.3.
Variant type: single nucleotide variant.
Coding change: c.131C>T on transcript NM_004807.3 (MANE Select); coding-DNA position 131, C replaced by T.
Protein change: p.Ala44Val; replaces alanine 44 with valine.
Molecular consequence: missense variant.
Genome position (GRCh38, 1-based): chr2:128,318,433, G>A on the plus strand (C>T on the coding strand, the complement: HS6ST1 is on the minus strand). VCF-style: chr2-128318433-G-A. GRCh37 (hg19) VCF-style: chr2-129076007-G-A.
Other names: short protein forms A44V.
Identifiers: ClinVar variation 2689224 (VCV002689224.3), dbSNP rs1694408332, ClinGen allele CA348617488.